The following is an entry in ClinVar:

NM_024675.4(PALB2):c.3331C>T (p.Pro1111Ser)

Gene: PALB2 (partner and localizer of BRCA2; minus strand). Cytogenetic location: 16p12.2.
Variant type: single nucleotide variant.
Coding change: c.3331C>T on transcript NM_024675.4 (MANE Select); coding-DNA position 3331, C replaced by T.
Protein change: p.Pro1111Ser; replaces proline 1111 with serine.
Molecular consequence: missense variant.
Genome position (GRCh38, 1-based): chr16:23,607,883, G>A on the plus strand (C>T on the coding strand, the complement: PALB2 is on the minus strand). VCF-style: chr16-23607883-G-A. GRCh37 (hg19) VCF-style: chr16-23619204-G-A.
Other names: short protein forms P1111S.
Identifiers: ClinVar variation 1063569 (VCV001063569.10), dbSNP rs864622193, ClinGen allele CA395139326.
Genomic context (GRCh38, chr16:23,607,883, plus strand): 5'-CAGAATGTCCCACCCATAGAGTAGCAGTTATGCACACTTGCCTGCCAGCCTGCCCTGGAG[G>A]AAGACAGTACAGCATCACACCCACGCTGAGAGTCGTCTTAGGGTTAATCACAATGAGCTG-3'
Protein context (NP_078951.2, residues 1101-1121): LSVGVMLYCL[Pro1111Ser]PGQAGRFLEG

ClinVar aggregate classification (germline): Uncertain significance (1 of 4 stars; one submission).

Conditions:
Familial cancer of breast. Also called: hereditary breast carcinoma; Hereditary breast cancer; BREAST CANCER, FAMILIAL. Identifiers: Orphanet 227535, MedGen C0346153, MONDO:0016419, OMIM 114480. Disease mechanism: loss of function.

Submission:

Labcorp Genetics (formerly Invitae), Labcorp
Classification: Uncertain significance for Familial cancer of breast. Last evaluated: 2022-06-27. Review status: criteria provided, single submitter. Criteria: Invitae Variant Classification Sherloc (09022015). Collection method: clinical testing. Allele origin: germline.
Comment: This sequence change replaces proline, which is neutral and non-polar, with serine, which is neutral and polar, at codon 1111 of the PALB2 protein (p.Pro1111Ser). This variant is not present in population databases (gnomAD no frequency). Algorithms developed to predict the effect of missense changes on protein structure and function are either unavailable or do not agree on the potential impact of this missense change (SIFT: "Deleterious"; PolyPhen-2: "Possibly Damaging"; Align-GVGD: "Class C0"). This variant has not been reported in the literature in individuals affected with PALB2-related conditions. ClinVar contains an entry for this variant (Variation ID: 1063569). In summary, the available evidence is currently insufficient to determine the role of this variant in disease. Therefore, it has been classified as a Variant of Uncertain Significance.